The following is an entry in ClinVar:

NM_000492.4(CFTR):c.580G>A (p.Gly194Arg)

Gene: CFTR (CF transmembrane conductance regulator; plus strand). Cytogenetic location: 7q31.2.
Variant type: single nucleotide variant.
Coding change: c.580G>A on transcript NM_000492.4 (MANE Select); coding-DNA position 580, G replaced by A.
Protein change: p.Gly194Arg; replaces glycine 194 with arginine.
Molecular consequence: missense variant.
Genome position (GRCh38, 1-based): chr7:117,535,248, G>A. VCF-style: chr7-117535248-G-A. GRCh37 (hg19) VCF-style: chr7-117175302-G-A.
Other names: p.Gly194Arg; short protein forms G194R.
Identifiers: ClinVar variation 1300164 (VCV001300164.10), dbSNP rs376008630, ClinGen allele CA164945384.
Genomic context (GRCh38, chr7:117,535,248, plus strand): 5'-TTAGTTTCTAGGGGTGGAAGATACAATGACACCTGTTTTTGCTGTGCTTTTATTTTCCAG[G>A]GACTTGCATTGGCACATTTCGTGTGGATCGCTCCTTTGCAAGTGGCACTCCTCATGGGGC-3'
Protein context (NP_000483.3, residues 184-204): LSNNLNKFDE[Gly194Arg]LALAHFVWIA

ClinVar aggregate classification (germline): Pathogenic. Review status: reviewed by expert panel (3 of 4 stars). 8 submissions from 8 submitters: Pathogenic (1). 7 of the submissions do not count toward it. Last evaluated 2020-01-10.

Conditions:
Bronchiectasis with or without elevated sweat chloride 1 (BESC1). Also called: Cystic Fibrosis-Like Syndrome. Identifiers: Orphanet 60033, MedGen C2749757, MONDO:0008887, OMIM 211400.
Cystic fibrosis (CF). Also called: MUCOVISCIDOSIS. Identifiers: Orphanet 586, MedGen C0010674, MONDO:0009061, OMIM 219700. Disease mechanism: loss of function.
CFTR-related disorder (CFTR-RD). Also called: CFTR-related disorders; CFTR-related condition. Identifiers: MedGen C5924204, MONDO:7770004.

Allele frequency attached by ClinVar (database versions not stated): ESP Exome Variant Server 0.00008.

Submissions (8):

CFTR2
Classification: Pathogenic for Cystic fibrosis. Last evaluated: 2020-01-10. Review status: reviewed by expert panel. Criteria: Submitter's publication and website. Collection method: research. Allele origin: germline. Affected: yes.

Natera, Inc.
Classification: Likely pathogenic for CFTR-related disorders. Last evaluated: 2025-10-31. Review status: criteria provided, single submitter. Criteria: Natera Variant Classification Schema (03/2026). Collection method: clinical testing. Allele origin: germline. Not counted in ClinVar's aggregate classification.
Comment: The c.580G>A variant in CFTR is a missense variant predicted to cause substitution of glycine to arginine at amino acid 194. This variant is rare in the general population with a frequency below the threshold expected for the associated phenotype(s). This variant has been observed in one or more individuals affected with the associated recessive disease, as either homozygous or compound heterozygous with a second variant (PMID: 17003641). Functional studies show that this variant may disrupt protein function (PMID: 38388235). A different variant at the same position has been determined to be Pathogenic or Likely Pathogenic. Computational prediction algorithms indicate this variant is likely to affect gene or protein function. Given the available evidence, this variant is classified as Likely Pathogenic.

Women's Health and Genetics/Laboratory Corporation of America, LabCorp
Classification: Likely pathogenic for Cystic fibrosis. Last evaluated: 2025-06-10. Review status: criteria provided, single submitter. Criteria: LabCorp Variant Classification Summary - May 2015. Collection method: clinical testing. Allele origin: germline. Not counted in ClinVar's aggregate classification.
Comment: Variant summary: CFTR c.580G>A (p.Gly194Arg) results in a non-conservative amino acid change in the encoded protein sequence. Algorithms developed to predict the effect of missense changes on protein structure and function all suggest that this variant is likely to be disruptive. Several computational tools predict a significant impact on normal splicing: Two predict the variant weakens a 3' acceptor site. Three predict the variant creates a 3' acceptor site. One predicts the variant no significant impact on splicing. However, these predictions have yet to be confirmed by functional studies. The variant was absent in 251416 control chromosomes. c.580G>A has been observed on 1 allele in a cohort with clinical features of cystic fibrosis (2nd variant not reported) and with 2 other pathogenic variants (phasing not provided) in an individual with acute pancreatitis (example, Raraigh_2022, Keiles_2006), neither individual had strong evidence for causality. These report(s) do not provide unequivocal conclusions about association of the variant with CFTR-Related Diseases. Further, a different variant resulting in the same protein effect (c.580G>C p.Gly194Arg) was reported in trans with p.Phe508del in 1 individual with borderline sweat testing in a cohort with with clinical features of cystic fibrosis (example, Raraigh_2022). At least one publication reports experimental evidence evaluating an impact on protein function in vitro. The most pronounced variant effect resulted in approximately 5.88% of normal chloride channel conductance relative to wild type (e.g., Bihler_2024). The following publications have been ascertained in the context of this evaluation (PMID: 34782259, 38388235, 17003641). ClinVar contains an entry for this variant (Variation ID: 1300164). Based on the evidence outlined above, the variant was classified as likely pathogenic.

Labcorp Genetics (formerly Invitae), Labcorp
Classification: Uncertain significance for Cystic fibrosis. Last evaluated: 2024-08-28. Review status: criteria provided, single submitter. Criteria: Invitae Variant Classification Sherloc (09022015). Collection method: clinical testing. Allele origin: germline. Not counted in ClinVar's aggregate classification.
Comment: This sequence change replaces glycine, which is neutral and non-polar, with arginine, which is basic and polar, at codon 194 of the CFTR protein (p.Gly194Arg). This variant is not present in population databases (gnomAD no frequency). This missense change has been observed in individual(s) with clinical features of CFTR-related conditions (PMID: 17003641, 34782259). ClinVar contains an entry for this variant (Variation ID: 1300164). An algorithm developed to predict the effect of missense changes on protein structure and function (PolyPhen-2) suggests that this variant is likely to be disruptive. Experimental studies have shown that this missense change affects CFTR function (PMID: 36834620). In summary, the available evidence is currently insufficient to determine the role of this variant in disease. Therefore, it has been classified as a Variant of Uncertain Significance.

Ambry Genetics
Classification: Likely pathogenic for Cystic fibrosis. Last evaluated: 2023-10-30. Review status: criteria provided, single submitter. Criteria: Ambry Variant Classification Scheme 2023. Collection method: clinical testing. Allele origin: germline. Not counted in ClinVar's aggregate classification.
Comment: The p.G194R variant (also known as c.580G>A) is located in coding exon 6 of the CFTR gene. The glycine at codon 194 is replaced by arginine, an amino acid with dissimilar properties. This change occurs in the first base pair of coding exon 6. This variant has <10% of wild type function in The Clinical and Functional TRanslation of CFTR (CFTR2) database (available at CFTR2. Accessed 05/25/2022). This variant is considered to be rare based on population cohorts in the Genome Aggregation Database (gnomAD). This amino acid position is well conserved in available vertebrate species. In addition, this alteration is predicted to be deleterious by in silico analysis. Based on the majority of available evidence to date, this variant is likely to be pathogenic.

PreventionGenetics, part of Exact Sciences
Classification: Likely pathogenic for CFTR-related condition. Last evaluated: 2023-09-20. Review status: criteria provided, single submitter. Criteria: ACMG Guidelines, 2015. Collection method: clinical testing. Allele origin: germline. Not counted in ClinVar's aggregate classification.
Comment: The CFTR c.580G>A variant is predicted to result in the amino acid substitution p.Gly194Arg. This variant (also known as c.712G>A, G194R) has been reported in the compound heterozygous state in an individual with acute pancreatitis (Keiles and Kammesheidt. 2006. PubMed ID: 17003641) and was also detected in an individual in a large cystic fibrosis cohort (Raraigh et al. 2022. PubMed ID: 34782259). In vitro functional studies have found that human bronchial epithelial cells expressing this variant produced only 27% mature CFTR protein compared to wild type (Zacarias et al. 2023. PubMed ID: 36834620), leading to an almost complete loss of membrane chloride conductance (3.8% vs wild type). This variant has not been reported in a large population database, indicating this variant is rare. This variant has been interpreted as pathogenic and likely pathogenic in ClinVar. Taken together, this variant is interpreted as likely pathogenic.

Baylor Genetics
Classification: Likely pathogenic for Bronchiectasis with or without elevated sweat chloride 1. Last evaluated: 2023-03-10. Review status: criteria provided, single submitter. Criteria: ACMG Guidelines, 2015. Collection method: clinical testing. Allele origin: unknown. Not counted in ClinVar's aggregate classification.

Institute of Human Genetics, University of Leipzig Medical Center
Classification: Likely pathogenic for Cystic fibrosis. Last evaluated: 2022-09-05. Review status: criteria provided, single submitter. Criteria: ACMG Guidelines, 2015. Collection method: curation. Allele origin: unknown. Affected: yes. Observed: 1 variant allele. Not counted in ClinVar's aggregate classification.
Comment: The variant was classified in the context of a project re-classifying variants in the German Cystic Fibrosis Registry (Muko.e.V.). Criteria applied: PM2_SUP, PM3_STR, PM5, PP3, PP4

Literature cited by the submitters: PubMed 17003641 (cited by 3 submitters); PubMed 38388235 (cited by Natera, Inc. and Women's Health and Genetics/Laboratory Corporation of America, LabCorp); PubMed 34782259 (cited by Women's Health and Genetics/Laboratory Corporation of America, LabCorp and Labcorp Genetics (formerly Invitae), Labcorp); PubMed 36834620 (cited by Labcorp Genetics (formerly Invitae), Labcorp).